The following is an entry in ClinVar:

NM_001008212.2(OPTN):c.606G>A (p.Thr202=)

Gene: OPTN (optineurin; plus strand). Cytogenetic location: 10p13.
Variant type: single nucleotide variant.
Coding change: c.606G>A on transcript NM_001008212.2 (MANE Select); coding-DNA position 606, G replaced by A.
Protein change: p.Thr202=; no amino-acid change (threonine 202 retained).
Molecular consequence: synonymous variant.
Genome position (GRCh38, 1-based): chr10:13,116,320, G>A. VCF-style: chr10-13116320-G-A. GRCh37 (hg19) VCF-style: chr10-13158320-G-A.
Other names: c.606G>A, p.Thr202= (NM_001008211.1, NM_001008213.1, NM_021980.4).
Identifiers: ClinVar variation 1205565 (VCV001205565.13), dbSNP rs143437860, ClinGen allele CA5410683.

ClinVar aggregate classification (germline): Likely benign. Review status: criteria provided, multiple submitters, no conflicts (2 of 4 stars). 4 submissions from 4 submitters: Likely benign (4). Last evaluated 2025-11-03.

Conditions:
Glaucoma 1, open angle, E. Identifiers: MedGen C1842026, MONDO:0007665.
Amyotrophic lateral sclerosis type 12 (ALS12). Also called: AMYOTROPHIC LATERAL SCLEROSIS 12 WITH OR WITHOUT FRONTOTEMPORAL DEMENTIA. Identifiers: Orphanet 803, MedGen C3150692, MONDO:0013264, OMIM 613435.
Primary open angle glaucoma (POAG). Also called: OPTN-related open angle glaucoma. Identifiers: MedGen C0339573, MONDO:0100553, OMIM 137760.
OPTN-related disorder. Also called: OPTN-related condition; OPTN-related disorders.

Allele frequency attached by ClinVar (database versions not stated): ESP Exome Variant Server 0.00023; gnomAD 0.00038 and 0.00039; 1000 Genomes Project 30x 0.00047; TOPMed 0.00047; 1000 Genomes Project 0.00060; gnomAD exomes 0.00005 and 0.00013; ExAC 0.00017.
gnomAD v4.1: 138 of 1,613,654 alleles (0.0086%); highest among the groups gnomAD compares: African/African-American, 0.13%; no homozygotes.

Submissions (4):

Labcorp Genetics (formerly Invitae), Labcorp
Classification: Likely benign for Primary open angle glaucoma; Glaucoma 1, open angle, E; Amyotrophic lateral sclerosis type 12. Last evaluated: 2025-11-03. Review status: criteria provided, single submitter. Criteria: Invitae Variant Classification Sherloc (09022015). Collection method: clinical testing. Allele origin: germline.

PreventionGenetics, part of Exact Sciences
Classification: Likely benign for OPTN-related condition. Last evaluated: 2024-10-04. Review status: criteria provided, single submitter. Criteria: ACMG Guidelines, 2015. Collection method: clinical testing. Allele origin: germline.
Comment: This variant is classified as likely benign based on ACMG/AMP sequence variant interpretation guidelines (Richards et al. 2015 PMID: 25741868, with internal and published modifications).

GeneDx
Classification: Likely benign. Last evaluated: 2021-03-04. Review status: criteria provided, single submitter. Criteria: GeneDx Variant Classification Process June 2021. Collection method: clinical testing. Allele origin: germline. Affected: yes.

Breakthrough Genomics
Classification: Likely benign. Review status: criteria provided, single submitter. Criteria: ACMG Guidelines, 2015. Collection method: not provided. Allele origin: germline. Inheritance: Autosomal recessive inheritance. Affected: yes.